The following is an entry in ClinVar:

NM_182961.4(SYNE1):c.9194T>C (p.Leu3065Ser)

Gene: SYNE1 (spectrin repeat containing nuclear envelope protein 1; minus strand). Cytogenetic location: 6q25.2.
Variant type: single nucleotide variant.
Coding change: c.9194T>C on transcript NM_182961.4 (MANE Select); coding-DNA position 9194, T replaced by C.
Protein change: p.Leu3065Ser; replaces leucine 3065 with serine.
Molecular consequence: missense variant.
Genome position (GRCh38, 1-based): chr6:152,376,511, A>G on the plus strand (T>C on the coding strand, the complement: SYNE1 is on the minus strand). VCF-style: chr6-152376511-A-G. GRCh37 (hg19) VCF-style: chr6-152697646-A-G.
Other names: c.9194T>C (NM_182961.2); c.9215T>C, p.Leu3072Ser (NM_033071.5); short protein forms L3065S, L3072S.
Identifiers: ClinVar variation 1444353 (VCV001444353.7), dbSNP rs2097283921, ClinGen allele CA366141148.

ClinVar aggregate classification (germline): Uncertain significance. Review status: criteria provided, multiple submitters, no conflicts (2 of 4 stars). 2 submissions from 2 submitters: Uncertain significance (2). Last evaluated 2025-02-10.

Conditions:
Emery-Dreifuss muscular dystrophy 4, autosomal dominant (EDMD4). Also called: EMERY-DREIFUSS MUSCULAR DYSTROPHY 4 WITH VARIABLE FEATURES. Identifiers: Orphanet 261, MedGen C2751807, MONDO:0013071, OMIM 612998.
Autosomal recessive ataxia, Beauce type. Also called: Spinocerebellar ataxia, autosomal recessive 8; ATAXIA, RECESSIVE, OF BEAUCE; SYNE1 Deficiency; SYNE1-Related Autosomal Recessive Cerebellar Ataxia. Identifiers: Orphanet 88644, MedGen C1853116, MONDO:0012549, OMIM 610743.

Allele frequency attached by ClinVar (database versions not stated): gnomAD exomes below 0.00001; gnomAD 0.00001; TOPMed 0.00001.
gnomAD v4.1: 8 of 1,614,056 alleles (0.0005%); highest among the groups gnomAD compares: Admixed American, 0.0067%; no homozygotes.

Submissions (2):

Labcorp Genetics (formerly Invitae), Labcorp
Classification: Uncertain significance for Emery-Dreifuss muscular dystrophy 4, autosomal dominant; Autosomal recessive ataxia, Beauce type. Last evaluated: 2025-02-10. Review status: criteria provided, single submitter. Criteria: Invitae Variant Classification Sherloc (09022015). Collection method: clinical testing. Allele origin: germline.
Comment: This sequence change replaces leucine, which is neutral and non-polar, with serine, which is neutral and polar, at codon 3072 of the SYNE1 protein (p.Leu3072Ser). This variant is not present in population databases (gnomAD no frequency). This variant has not been reported in the literature in individuals affected with SYNE1-related conditions. ClinVar contains an entry for this variant (Variation ID: 1444353). An algorithm developed to predict the effect of missense changes on protein structure and function (PolyPhen-2) suggests that this variant is likely to be disruptive. In summary, the available evidence is currently insufficient to determine the role of this variant in disease. Therefore, it has been classified as a Variant of Uncertain Significance.

Athena Diagnostics
Classification: Uncertain significance. Last evaluated: 2023-07-07. Review status: criteria provided, single submitter. Criteria: Athena Diagnostics Criteria. Collection method: clinical testing. Allele origin: unknown.
Comment: Available data are insufficient to determine the clinical significance of the variant at this time. The frequency of this variant in the general population is uninformative in assessment of its pathogenicity. Computational tools disagree on the variant's effect on normal protein function.